The following is an entry in ClinVar:

NM_024652.6(LRRK1):c.5682C>G (p.Asp1894Glu)

Genes: LRRK1-AS1 (LRRK1 antisense RNA 1; minus strand), LRRK1 (leucine rich repeat kinase 1; plus strand). Cytogenetic location: 15q26.3.
Variant type: single nucleotide variant.
Coding change: c.5682C>G on transcript NM_024652.6 (MANE Select); coding-DNA position 5682, C replaced by G.
Protein change: p.Asp1894Glu; replaces aspartic acid 1894 with glutamic acid.
Molecular consequence: missense variant.
Genome position (GRCh38, 1-based): chr15:101,066,119, C>G. VCF-style: chr15-101066119-C-G. GRCh37 (hg19) VCF-style: chr15-101606324-C-G.
Other names: short protein forms D1894E.
Identifiers: ClinVar variation 1933830 (VCV001933830.5), dbSNP rs1270554494, ClinGen allele CA393963025.

ClinVar aggregate classification (germline): Uncertain significance (1 of 4 stars; one submission).

Submission:

Labcorp Genetics (formerly Invitae), Labcorp
Classification: Uncertain significance. Last evaluated: 2025-12-01. Review status: criteria provided, single submitter. Criteria: Invitae Variant Classification Sherloc (09022015). Collection method: clinical testing. Allele origin: germline.
Comment: This sequence change replaces aspartic acid, which is acidic and polar, with glutamic acid, which is acidic and polar, at codon 1894 of the LRRK1 protein (p.Asp1894Glu). This variant is not present in population databases (gnomAD no frequency). This variant has not been reported in the literature in individuals affected with LRRK1-related conditions. ClinVar contains an entry for this variant (Variation ID: 1933830). An algorithm developed to predict the effect of missense changes on protein structure and function outputs the following: PolyPhen-2: "Benign". The glutamic acid amino acid residue is found in multiple mammalian species, which suggests that this missense change does not adversely affect protein function. In summary, the available evidence is currently insufficient to determine the role of this variant in disease. Therefore, it has been classified as a Variant of Uncertain Significance.